The following is an entry in ClinVar:

NM_030770.4(TMPRSS5):c.663G>T (p.Gly221=)

Gene: TMPRSS5 (transmembrane serine protease 5; minus strand). Cytogenetic location: 11q23.2.
Variant type: single nucleotide variant.
Coding change: c.663G>T on transcript NM_030770.4 (MANE Select); coding-DNA position 663, G replaced by T.
Protein change: p.Gly221=; no amino-acid change (glycine 221 retained).
Molecular consequence: synonymous variant. On other transcripts: non-coding transcript variant (2), intron variant (2).
Genome position (GRCh38, 1-based): chr11:113,694,600, C>A on the plus strand (G>T on the coding strand, the complement: TMPRSS5 is on the minus strand). VCF-style: chr11-113694600-C-A. GRCh37 (hg19) VCF-style: chr11-113565322-C-A.
Other names: NC_000011.9:g.113565322C>A; c.531G>T, p.Gly177= (NM_001288750.2); c.636G>T, p.Gly212= (NM_001288751.2); c.447-1351G>T (NM_001288749.2); c.579-1351G>T (NM_001288752.2).
Identifiers: ClinVar variation 508146 (VCV000508146.3), dbSNP rs17115841, ClinGen allele CA6281767.
Genomic context (GRCh38, chr11:113,694,600, plus strand): 5'-GTGCCGGAAGCCCAGGGCCACGCTGGCCTGCCACGGCCAGCGCCCAGGAGCCACAGACTG[C>A]CCACCAACTATCCGGGAAGCCAGGGGCCTCGCTCCACACTCTGCCAACAGAGATGGGTGA-3'
Protein context (NP_110397.2, residues 211-231): ARPLASRIVG[Gly221=]QSVAPGRWPW

ClinVar aggregate classification (germline): Benign. Review status: criteria provided, multiple submitters, no conflicts (2 of 4 stars). 2 submissions from 2 submitters: Benign (2). Last evaluated 2017-08-25.

Allele frequency attached by ClinVar (database versions not stated): gnomAD exomes 0.06472; 1000 Genomes Project 0.08946; ExAC 0.09012; 1000 Genomes Project 30x 0.09385; ESP Exome Variant Server 0.09732; gnomAD 0.10231 and 0.10669; TOPMed 0.11029.
gnomAD v4.1: 113,675 of 1,552,754 alleles (7.3%); highest among the groups gnomAD compares: African/African-American, 20%; 5,012 homozygotes.

Submissions (9):

GeneDx
Classification: Benign. Last evaluated: 2017-08-25. Review status: criteria provided, single submitter. Criteria: GeneDx Variant Classification (06012015). Collection method: clinical testing. Allele origin: germline. Affected: yes.
Comment: This variant is considered likely benign or benign based on one or more of the following criteria: it is a conservative change, it occurs at a poorly conserved position in the protein, it is predicted to be benign by multiple in silico algorithms, and/or has population frequency not consistent with disease.

Breakthrough Genomics
Classification: Benign. Review status: criteria provided, single submitter. Criteria: ACMG Guidelines, 2015. Collection method: not provided. Allele origin: germline. Inheritance: Unknown mechanism. Affected: yes.

Dr. Peter K. Rogan Lab, Western University
No classification provided (evidence only). Condition: Colorectal cancer. Review status: no classification provided. Collection method: in vitro. Allele origin: not applicable. Functional consequence: retained intron. Not counted in ClinVar's aggregate classification.

Dr. Peter K. Rogan Lab, Western University
No classification provided (evidence only). Condition: Colorectal cancer. Review status: no classification provided. Collection method: in vitro. Allele origin: not applicable. Functional consequence: retained intron. Not counted in ClinVar's aggregate classification.

Dr. Peter K. Rogan Lab, Western University
No classification provided (evidence only). Condition: Thyroid cancer, nonmedullary, 1. Review status: no classification provided. Collection method: in vitro. Allele origin: not applicable. Functional consequence: retained intron. Not counted in ClinVar's aggregate classification.

Dr. Peter K. Rogan Lab, Western University
No classification provided (evidence only). Condition: Gastric cancer. Review status: no classification provided. Collection method: in vitro. Allele origin: not applicable. Functional consequence: retained intron. Not counted in ClinVar's aggregate classification.

Dr. Peter K. Rogan Lab, Western University
No classification provided (evidence only). Condition: Gastric cancer. Review status: no classification provided. Collection method: in vitro. Allele origin: not applicable. Functional consequence: retained intron. Not counted in ClinVar's aggregate classification.

Dr. Peter K. Rogan Lab, Western University
No classification provided (evidence only). Condition: Adrenocortical carcinoma, hereditary. Review status: no classification provided. Collection method: in vitro. Allele origin: not applicable. Functional consequence: retained intron. Not counted in ClinVar's aggregate classification.

Dr. Peter K. Rogan Lab, Western University
No classification provided (evidence only). Condition: Uterine carcinosarcoma. Review status: no classification provided. Collection method: in vitro. Allele origin: not applicable. Functional consequence: retained intron. Not counted in ClinVar's aggregate classification.